The following is an entry in ClinVar:

NM_020163.3(SEMA3G):c.21C>A (p.Ala7=)

Gene: SEMA3G (semaphorin 3G; minus strand). Cytogenetic location: 3p21.1.
Variant type: single nucleotide variant.
Coding change: c.21C>A on transcript NM_020163.3 (MANE Select); coding-DNA position 21, C replaced by A.
Protein change: p.Ala7=; no amino-acid change (alanine 7 retained).
Molecular consequence: synonymous variant.
Genome position (GRCh38, 1-based): chr3:52,445,007, G>T on the plus strand (C>A on the coding strand, the complement: SEMA3G is on the minus strand). VCF-style: chr3-52445007-G-T. GRCh37 (hg19) VCF-style: chr3-52479023-G-T.
Identifiers: ClinVar variation 3030970 (VCV003030970.2), dbSNP rs1205043993, ClinGen allele CA433790646.

ClinVar aggregate classification (germline): Likely benign (0 of 4 stars; one submission).

Conditions:
SEMA3G-related disorder. Also called: SEMA3G-related condition.

Allele frequency attached by ClinVar (database versions not stated): gnomAD exomes 0.00001.
gnomAD v4.1: 9 of 1,285,018 alleles (0.0007%); highest among the groups gnomAD compares: Non-Finnish European, 0.00069%; no homozygotes.

Submission:

PreventionGenetics, part of Exact Sciences
Classification: Likely benign for SEMA3G-related condition. Last evaluated: 2021-12-02. Review status: no assertion criteria provided. Collection method: clinical testing. Allele origin: germline.
Comment: This variant is classified as likely benign based on ACMG/AMP sequence variant interpretation guidelines (Richards et al. 2015 PMID: 25741868, with internal and published modifications).